The following is an entry in ClinVar:

ClinVar aggregate classification (germline): Uncertain significance (1 of 4 stars; one submission).

Allele frequency attached by ClinVar (database versions not stated): TOPMed below 0.00001.

Submission:

GeneDx
Classification: Uncertain significance. Last evaluated: 2026-07-29. Review status: criteria provided, single submitter. Criteria: GeneDx Variant Classification Process June 2021. Collection method: clinical testing. Allele origin: germline.
Comment: See Variant Classification Assertion Criteria.

NM_001267550.2(TTN):c.21389T>C (p.Val7130Ala)

Genes: TTN (titin; minus strand), LOC126806428 (BRD4-independent group 4 enhancer GRCh37_chr2:179588362-179589561; plus strand). Cytogenetic location: 2q31.2.
Variant type: single nucleotide variant.
Coding change: c.21389T>C on transcript NM_001267550.2 (MANE Select); coding-DNA position 21389, T replaced by C.
Protein change: p.Val7130Ala; replaces valine 7130 with alanine.
Molecular consequence: missense variant. On other transcripts: intron variant (3).
Genome position (GRCh38, 1-based): chr2:178,723,870, A>G on the plus strand (T>C on the coding strand, the complement: TTN is on the minus strand). VCF-style: chr2-178723870-A-G. GRCh37 (hg19) VCF-style: chr2-179588597-A-G.
Other names: c.20438T>C, p.Val6813Ala (NM_001256850.1); c.17657T>C, p.Val5886Ala (NM_133378.4); c.13282+14212T>C (NM_003319.4); c.13858+14212T>C (NM_133437.4); c.13657+14212T>C (NM_133432.3); c.21389T>C (NM_001267550.1); short protein forms V5886A, V6813A, V7130A.
Identifiers: ClinVar variation 681630 (VCV000681630.2), dbSNP rs1343571131, ClinGen allele CA349535158.
Genomic context (GRCh38, chr2:178,723,870, plus strand): 5'-AGAGGAATTTGTAAGAAATTCCTTACAAGTTTGACTGTCTACTGACCTTGTACAGTTAGC[A>G]CTGCACGACATTCATCAGACCCAGCGACATTAGCAGCCACGCATGTGTAATTGCCCATAT-3'
Protein context (NP_001254479.2, residues 7120-7140): NVAGSDECRA[Val7130Ala]LTVQEPPSFV